The following is an entry in ClinVar:

NC_000001.10:g.(?_100661811)_(100661998_?)del

Gene: DBT (dihydrolipoamide branched chain transacylase E2; minus strand). Cytogenetic location: 1p21.2.
Variant type: Deletion.
Identifiers: ClinVar variation 3247643 (VCV003247643.1).

ClinVar aggregate classification (germline): Pathogenic (1 of 4 stars; one submission).

Conditions:
Maple syrup urine disease (MSUD). Identifiers: Orphanet 511, MedGen C0024776, MeSH D008375, MONDO:0009563. Disease mechanism: loss of function.

Submission:

Labcorp Genetics (formerly Invitae), Labcorp
Classification: Pathogenic for Maple syrup urine disease. Last evaluated: 2023-12-09. Review status: criteria provided, single submitter. Criteria: Invitae Variant Classification Sherloc (09022015). Collection method: clinical testing. Allele origin: unknown.
Comment: This variant is a gross deletion of the genomic region encompassing exon(s) 11 of the DBT gene, which includes the termination codon. This deletion extends beyond the assayed region for this gene and therefore may encompass additional genes. While this deletion is not anticipated to lead to nonsense mediated decay, it is expected to alter mRNA translation or result in a truncated protein product. A similar copy number variant has been observed in individual(s) with biochemical findings that are highly specific for Maple Syrup Urine Disease (Invitae). This variant disrupts a region of the DBT protein in which other variant(s) (p.Asn455*) have been determined to be pathogenic (PMID: 23313820; Invitae). This suggests that this is a clinically significant region of the protein, and that variants that disrupt it are likely to be disease-causing. For these reasons, this variant has been classified as Pathogenic.

Literature cited by the submitters: PubMed 23313820.